The following is an entry in ClinVar:

ClinVar aggregate classification (germline): Uncertain significance (1 of 4 stars; one submission).

Submission:

Labcorp Genetics (formerly Invitae), Labcorp
Classification: Uncertain significance. Last evaluated: 2022-05-05. Review status: criteria provided, single submitter. Criteria: Invitae Variant Classification Sherloc (09022015). Collection method: clinical testing. Allele origin: germline.
Comment: Advanced modeling of protein sequence and biophysical properties (such as structural, functional, and spatial information, amino acid conservation, physicochemical variation, residue mobility, and thermodynamic stability) performed at Invitae indicates that this missense variant is not expected to disrupt COL9A3 protein function. In summary, the available evidence is currently insufficient to determine the role of this variant in disease. Therefore, it has been classified as a Variant of Uncertain Significance. This variant has not been reported in the literature in individuals affected with COL9A3-related conditions. This variant is not present in population databases (gnomAD no frequency). This sequence change replaces aspartic acid, which is acidic and polar, with histidine, which is basic and polar, at codon 447 of the COL9A3 protein (p.Asp447His).

NM_001853.4(COL9A3):c.1339G>C (p.Asp447His)

Gene: COL9A3 (collagen type IX alpha 3 chain; plus strand). Cytogenetic location: 20q13.33.
Variant type: single nucleotide variant.
Coding change: c.1339G>C on transcript NM_001853.4 (MANE Select); coding-DNA position 1339, G replaced by C.
Protein change: p.Asp447His; replaces aspartic acid 447 with histidine.
Molecular consequence: missense variant.
Genome position (GRCh38, 1-based): chr20:62,833,035, G>C. VCF-style: chr20-62833035-G-C. GRCh37 (hg19) VCF-style: chr20-61464387-G-C.
Other names: short protein forms D447H.
Identifiers: ClinVar variation 2134165 (VCV002134165.4), dbSNP rs200153638, ClinGen allele CA409596171.